The following is an entry in ClinVar:

ClinVar aggregate classification (germline): Uncertain significance (1 of 4 stars; one submission).

Submission:

CeGaT Center for Human Genetics Tuebingen
Classification: Uncertain significance. Last evaluated: 2026-07-01. Review status: criteria provided, single submitter. Criteria: CeGaT Center For Human Genetics Tuebingen Variant Classification Criteria Version 2. Collection method: clinical testing. Allele origin: germline. Affected: yes. Observed: 1 variant allele.
Comment: KMT2D: PM2, BP4

NM_003482.4(KMT2D):c.3736A>T (p.Thr1246Ser)

Genes: KMT2D (lysine methyltransferase 2D; minus strand), LOC126861520 (CDK7 strongly-dependent group 2 enhancer GRCh37_chr12:49442744-49443943; plus strand). Cytogenetic location: 12q13.12.
Variant type: single nucleotide variant.
Coding change: c.3736A>T on transcript NM_003482.4 (MANE Select); coding-DNA position 3736, A replaced by T.
Protein change: p.Thr1246Ser; replaces threonine 1246 with serine.
Molecular consequence: missense variant.
Genome position (GRCh38, 1-based): chr12:49,049,852, T>A on the plus strand (A>T on the coding strand, the complement: KMT2D is on the minus strand). VCF-style: chr12-49049852-T-A. GRCh37 (hg19) VCF-style: chr12-49443635-T-A.
Other names: short protein forms T1246S.
Identifiers: ClinVar variation 5039967 (VCV005039967.1).
Genomic context (GRCh38, chr12:49,049,852, plus strand): 5'-CTGGCAGTGAGTCAGTACAGAGCCGTAGGGAGCCCTCATCTCGGGCTGGACTAACATCCG[T>A]AGAGACCCCCAACTCCATGGACAGGGAGCCACCCCCCTCCGGGTCTGGAGAGCCCAGGAG-3'
Protein context (NP_003473.3, residues 1236-1256): GSLSMELGVS[Thr1246Ser]DVSPARDEGS